The following is an entry in ClinVar:

ClinVar aggregate classification (germline): Pathogenic (1 of 4 stars; one submission).

Conditions:
Ornithine carbamoyltransferase deficiency (OTCD). Also called: ORNITHINE TRANSCARBAMYLASE DEFICIENCY; Ornithine Carbamoyltransferase Deficiency Disease; OTC DEFICIENCY; ORNITHINE TRANSCARBAMYLASE DEFICIENCY, HYPERAMMONEMIA DUE TO. Identifiers: Orphanet 664, MedGen C0268542, MONDO:0010703, OMIM 311250.

Submission:

Rady Children's Institute for Genomic Medicine, Rady Children's Hospital San Diego
Classification: Pathogenic for ORNITHINE TRANSCARBAMYLASE DEFICIENCY, HYPERAMMONEMIA DUE TO. Review status: criteria provided, single submitter. Criteria: ACMG Guidelines, 2015. Collection method: clinical testing. Allele origin: germline. Affected: yes.
Comment: This nonsense variant found in exon 5 of 10 is predicted to result in loss of normal protein function through either protein truncation or nonsense-mediated mRNA decay (NMD). This variant has been previously reported as a hemizygous change in a patient with Ornithine transcarbamylase (OTC) deficiency (PMID: 11117428), and as a change with undescribed zygosity in a second patient with OTC (PMID: 19138872). It is absent from the gnomAD population database and thus is presumed to be rare. Analysis of the parental samples was negative for the variant, indicating this variant likely occurred as a de novo event. Based on the available evidence, the c.437C>A (p.Ser146Ter) variant is classified as Pathogenic.

NM_000531.6(OTC):c.437C>A (p.Ser146Ter)

Gene: OTC (ornithine transcarbamylase; plus strand). Cytogenetic location: Xp11.4.
Variant type: single nucleotide variant.
Coding change: c.437C>A on transcript NM_000531.6 (MANE Select); coding-DNA position 437, C replaced by A.
Protein change: p.Ser146Ter; replaces serine 146 with a stop codon.
Molecular consequence: nonsense.
Genome position (GRCh38, 1-based): chrX:38,401,325, C>A. VCF-style: chrX-38401325-C-A. GRCh37 (hg19) VCF-style: chrX-38260578-C-A.
Other names: c.437C>A, p.Ser146Ter (NM_001407092.1); short protein forms S146*.
Identifiers: ClinVar variation 2584533 (VCV002584533.1), dbSNP rs72556263, ClinGen allele CA412723243.